The following is an entry in ClinVar:

NM_001165963.4(SCN1A):c.473+1G>A

Gene: SCN1A (sodium voltage-gated channel alpha subunit 1; minus strand). Cytogenetic location: 2q24.3.
Variant type: single nucleotide variant.
Coding change: c.473+1G>A on transcript NM_001165963.4 (MANE Select); the canonical splice donor site of the intron after coding-DNA position 473, G replaced by A.
Molecular consequence: splice donor variant.
Genome position (GRCh38, 1-based): chr2:166,056,410, C>T on the plus strand (G>A on the coding strand, the complement: SCN1A is on the minus strand). VCF-style: chr2-166056410-C-T. GRCh37 (hg19) VCF-style: chr2-166912920-C-T.
Other names: c.473+1G>A (NM_001353949.2, NM_001353958.2, NM_001353950.2 and 10 more transcripts); c.-1953+1G>A (NM_001353961.2).
Identifiers: ClinVar variation 1446151 (VCV001446151.11), dbSNP rs794726840, ClinGen allele CA349075819.

ClinVar aggregate classification (germline): Pathogenic. Review status: criteria provided, multiple submitters, no conflicts (2 of 4 stars). 3 submissions from 3 submitters: Pathogenic (3). Last evaluated 2023-08-10.

Conditions:
SCN1A-related disorder. Also called: SCN1A-related disorders; SCN1A-related conditions; SCN1A-related condition.
Generalized epilepsy with febrile seizures plus, type 2 (GEFSP2). Also called: GEFS+, TYPE 2. Identifiers: Orphanet 36387, MedGen C1858673, MONDO:0011461, OMIM 604403.
Early-infantile DEE. Also called: Early infantile epileptic encephalopathy; Early infantile epileptic encephalopathy with suppression bursts; Ohtahara syndrome. Identifiers: Orphanet 1934, MedGen C0393706, MONDO:0800491.

Submissions (3):

Labcorp Genetics (formerly Invitae), Labcorp
Classification: Pathogenic for Early-infantile DEE. Last evaluated: 2023-08-10. Review status: criteria provided, single submitter. Criteria: Invitae Variant Classification Sherloc (09022015). Collection method: clinical testing. Allele origin: germline.
Comment: This sequence change affects a donor splice site in intron 3 of the SCN1A gene. It is expected to disrupt RNA splicing. Variants that disrupt the donor or acceptor splice site typically lead to a loss of protein function (PMID: 16199547), and loss-of-function variants in SCN1A are known to be pathogenic (PMID: 17347258, 18930999). This variant is not present in population databases (gnomAD no frequency). Disruption of this splice site has been observed in individual(s) with Dravet syndrome (PMID: 18930999, 32090326). In at least one individual the variant was observed to be de novo. ClinVar contains an entry for this variant (Variation ID: 1446151). For these reasons, this variant has been classified as Pathogenic.

Blueprint Genetics
Classification: Pathogenic for SCN1A-related disorders. Last evaluated: 2022-07-26. Review status: criteria provided, single submitter. Criteria: ACMG Guidelines, 2015. Collection method: clinical testing. Allele origin: germline. Affected: yes. Observed: 1 variant allele.

Mendelics
Classification: Pathogenic for Generalized epilepsy with febrile seizures plus, type 2. Last evaluated: 2022-05-04. Review status: criteria provided, single submitter. Criteria: Mendelics Assertion Criteria 2019. Collection method: clinical testing. Allele origin: germline.

Literature cited by the submitters: PubMed 16199547 (cited by Labcorp Genetics (formerly Invitae), Labcorp); PubMed 17347258 (cited by Labcorp Genetics (formerly Invitae), Labcorp); PubMed 18930999 (cited by Labcorp Genetics (formerly Invitae), Labcorp); PubMed 32090326 (cited by Labcorp Genetics (formerly Invitae), Labcorp).